The following is an entry in ClinVar:

ClinVar aggregate classification (germline): Uncertain significance. Review status: criteria provided, multiple submitters, no conflicts (2 of 4 stars). 2 submissions from 2 submitters: Uncertain significance (2). Last evaluated 2025-08-14.

Conditions:
Bloom syndrome (BLM). Also called: Bloom-Torre-Machacek syndrome. Identifiers: Orphanet 125, MedGen C0005859, MONDO:0008876, OMIM 210900.
Hereditary cancer-predisposing syndrome. Also called: Neoplastic Syndromes, Hereditary; Tumor predisposition; Hereditary neoplastic syndrome; Hereditary Cancer Syndrome. Identifiers: Orphanet 140162, MedGen C0027672, MeSH D009386, MONDO:0015356.

Allele frequency attached by ClinVar (database versions not stated): gnomAD exomes below 0.00001.
gnomAD v4.1: 2 of 1,614,068 alleles (0.00012%); highest among the groups gnomAD compares: African/African-American, 0.0027%; no homozygotes.

Submissions (2):

Ambry Genetics
Classification: Uncertain significance for Hereditary cancer-predisposing syndrome. Last evaluated: 2025-08-14. Review status: criteria provided, single submitter. Criteria: Ambry Variant Classification Scheme 2023. Collection method: clinical testing. Allele origin: germline.

Labcorp Genetics (formerly Invitae), Labcorp
Classification: Uncertain significance for Bloom syndrome. Last evaluated: 2025-05-13. Review status: criteria provided, single submitter. Criteria: Invitae Variant Classification Sherloc (09022015). Collection method: clinical testing. Allele origin: germline.
Comment: This sequence change replaces alanine, which is neutral and non-polar, with threonine, which is neutral and polar, at codon 679 of the BLM protein (p.Ala679Thr). This variant is not present in population databases (gnomAD no frequency). This variant has not been reported in the literature in individuals affected with BLM-related conditions. ClinVar contains an entry for this variant (Variation ID: 837198). Invitae Evidence Modeling of protein sequence and biophysical properties (such as structural, functional, and spatial information, amino acid conservation, physicochemical variation, residue mobility, and thermodynamic stability) indicates that this missense variant is not expected to disrupt BLM protein function with a negative predictive value of 80%. In summary, the available evidence is currently insufficient to determine the role of this variant in disease. Therefore, it has been classified as a Variant of Uncertain Significance.

NM_000057.4(BLM):c.2035G>A (p.Ala679Thr)

Gene: BLM (BLM RecQ like helicase; plus strand). Cytogenetic location: 15q26.1.
Variant type: single nucleotide variant.
Coding change: c.2035G>A on transcript NM_000057.4 (MANE Select); coding-DNA position 2035, G replaced by A.
Protein change: p.Ala679Thr; replaces alanine 679 with threonine.
Molecular consequence: missense variant.
Genome position (GRCh38, 1-based): chr15:90,763,118, G>A. VCF-style: chr15-90763118-G-A. GRCh37 (hg19) VCF-style: chr15-91306348-G-A.
Other names: c.2035G>A, p.Ala679Thr (NM_001287246.2, NM_001287247.2); c.910G>A, p.Ala304Thr (NM_001287248.2); c.2035G>A (NM_000057.2); short protein forms A304T, A679T.
Identifiers: ClinVar variation 837198 (VCV000837198.11), dbSNP rs1896031109, ClinGen allele CA393844407.
Genomic context (GRCh38, chr15:90,763,118, plus strand): 5'-TTTCATAAAAAATTTGGCCTGCATAATTTTAGAACTAATCAGCTAGAGGCGATCAATGCT[G>A]CACTGCTTGGTGAAGACTGTTTTATCCTGATGCCGACTGGTATGTATTTTTAGAAGTGAA-3'
Protein context (NP_000048.1, residues 669-689): RTNQLEAINA[Ala679Thr]LLGEDCFILM